The following is an entry in ClinVar:

ClinVar aggregate classification (germline): Likely benign. Review status: criteria provided, multiple submitters, no conflicts (2 of 4 stars). 2 submissions from 2 submitters: Likely benign (2). Last evaluated 2025-05-30.

Conditions:
Nemaline myopathy 2 (NEM2). Also called: Nemaline myopathy 2, autosomal recessive. Identifiers: MedGen C1850569, MONDO:0009725, OMIM 256030.

Submissions (2):

Labcorp Genetics (formerly Invitae), Labcorp
Classification: Likely benign for Nemaline myopathy 2. Last evaluated: 2025-05-30. Review status: criteria provided, single submitter. Criteria: Invitae Variant Classification Sherloc (09022015). Collection method: clinical testing. Allele origin: germline.

GeneDx
Classification: Likely benign. Last evaluated: 2017-06-02. Review status: criteria provided, single submitter. Criteria: GeneDx Variant Classification (06012015). Collection method: clinical testing. Allele origin: germline. Affected: yes.
Comment: This variant is considered likely benign or benign based on one or more of the following criteria: it is a conservative change, it occurs at a poorly conserved position in the protein, it is predicted to be benign by multiple in silico algorithms, and/or has population frequency not consistent with disease.

NM_001164508.2(NEB):c.24301-19T>A

Genes: RIF1 (replication timing regulatory factor 1; plus strand), NEB (nebulin; minus strand). Cytogenetic location: 2q23.3.
Variant type: single nucleotide variant.
Coding change: c.24301-19T>A on transcript NM_001164508.2 (MANE Select); 19 bases into the intron before coding-DNA position 24301, T replaced by A.
Molecular consequence: intron variant.
Genome position (GRCh38, 1-based): chr2:151,497,052, A>T on the plus strand (T>A on the coding strand, the complement: NEB is on the minus strand). VCF-style: chr2-151497052-A-T. GRCh37 (hg19) VCF-style: chr2-152353566-A-T.
Other names: c.18826-684T>A (NM_004543.5); c.24301-19T>A (NM_001164507.2); c.24406-19T>A (NM_001271208.2).
Identifiers: ClinVar variation 510031 (VCV000510031.4), dbSNP rs940899832, ClinGen allele CA536639499.
Genomic context (GRCh38, chr2:151,497,052, plus strand): 5'-AGGTAGAGGGGTTCCCTTGCCCATGTTTTCTTTGTATAACACCTGTGCGATAAGAAAGCA[A>T]CCAGAAAAACAACCATGAGTAACATTTCATTTGTTGAAAGGTTTTAAGGGTAAGGTCAGC-3'